The following is an entry in ClinVar:

ClinVar aggregate classification (germline): Uncertain significance. Review status: criteria provided, multiple submitters, no conflicts (2 of 4 stars). 3 submissions from 3 submitters: Uncertain significance (3). Last evaluated 2024-07-31.

Allele frequency attached by ClinVar (database versions not stated): gnomAD exomes 0.00002; ExAC 0.00004; ESP Exome Variant Server 0.00008; 1000 Genomes Project 30x 0.00016; 1000 Genomes Project 0.00020.
gnomAD v4.1: 15 of 1,604,282 alleles (0.00093%); highest among the groups gnomAD compares: South Asian, 0.0011%; no homozygotes.

Submissions (3):

Labcorp Genetics (formerly Invitae), Labcorp
Classification: Uncertain significance. Last evaluated: 2024-07-31. Review status: criteria provided, single submitter. Criteria: Invitae Variant Classification Sherloc (09022015). Collection method: clinical testing. Allele origin: germline.
Comment: This sequence change replaces arginine, which is basic and polar, with tryptophan, which is neutral and slightly polar, at codon 920 of the MYO7A protein (p.Arg920Trp). This variant is present in population databases (rs373089701, gnomAD 0.007%). This variant has not been reported in the literature in individuals affected with MYO7A-related conditions. ClinVar contains an entry for this variant (Variation ID: 1418375). Advanced modeling of protein sequence and biophysical properties (such as structural, functional, and spatial information, amino acid conservation, physicochemical variation, residue mobility, and thermodynamic stability) has been performed at Invitae for this missense variant, however the output from this modeling did not meet the statistical confidence thresholds required to predict the impact of this variant on MYO7A protein function. In summary, the available evidence is currently insufficient to determine the role of this variant in disease. Therefore, it has been classified as a Variant of Uncertain Significance.

GeneDx
Classification: Uncertain significance. Last evaluated: 2022-08-30. Review status: criteria provided, single submitter. Criteria: GeneDx Variant Classification Process June 2021. Collection method: clinical testing. Allele origin: germline. Affected: yes.
Comment: In silico analysis supports that this missense variant has a deleterious effect on protein structure/function; Has not been previously published as pathogenic or benign to our knowledge

Blueprint Genetics
Classification: Uncertain significance. Last evaluated: 2022-07-13. Review status: criteria provided, single submitter. Criteria: ACMG Guidelines, 2015. Collection method: clinical testing. Allele origin: germline.

NM_000260.4(MYO7A):c.2758C>T (p.Arg920Trp)

Gene: MYO7A (myosin VIIA; plus strand). Cytogenetic location: 11q13.5.
Variant type: single nucleotide variant.
Coding change: c.2758C>T on transcript NM_000260.4 (MANE Select); coding-DNA position 2758, C replaced by T.
Protein change: p.Arg920Trp; replaces arginine 920 with tryptophan.
Molecular consequence: missense variant.
Genome position (GRCh38, 1-based): chr11:77,181,443, C>T. VCF-style: chr11-77181443-C-T. GRCh37 (hg19) VCF-style: chr11-76892489-C-T.
Other names: c.2758C>T (NM_000260.3); c.2758C>T, p.Arg920Trp (NM_001127180.2); c.2725C>T, p.Arg909Trp (NM_001369365.1); short protein forms R909W, R920W.
Identifiers: ClinVar variation 1418375 (VCV001418375.6), dbSNP rs373089701, ClinGen allele CA6197925.
Genomic context (GRCh38, chr11:77,181,443, plus strand): 5'-CGCCTGGCCCAGCTGGCTCGTGAGGACGCTGAGCGGGAGCTGAAGGAGAAGGAGGCCGCT[C>T]GGCGGAAGAAGGAGCTCCTGGAGCAGATGGAAAGGGCCCGCCATGAGCCTGTCAATCACT-3'
Protein context (NP_000251.3, residues 910-930): ERELKEKEAA[Arg920Trp]RKKELLEQME